The following is an entry in ClinVar:

NM_006015.6(ARID1A):c.6626A>T (p.Gln2209Leu)

Gene: ARID1A (AT-rich interaction domain 1A; plus strand). Cytogenetic location: 1p36.11.
Variant type: single nucleotide variant.
Coding change: c.6626A>T on transcript NM_006015.6 (MANE Select); coding-DNA position 6626, A replaced by T.
Protein change: p.Gln2209Leu; replaces glutamine 2209 with leucine.
Molecular consequence: missense variant.
Genome position (GRCh38, 1-based): chr1:26,780,524, A>T. VCF-style: chr1-26780524-A-T. GRCh37 (hg19) VCF-style: chr1-27107015-A-T.
Other names: c.5975A>T, p.Gln1992Leu (NM_139135.4); short protein forms Q1992L, Q2209L.
Identifiers: ClinVar variation 3665655 (VCV003665655.2).
Genomic context (GRCh38, chr1:26,780,524, plus strand): 5'-AGGGCAGTATCGGCAACCTCCTGGGCTTCCTAGAGGACAGCCTTGCCGCCACACAGTTCC[A>T]GCAGAGCCAGGCCAGCCTCCTCCACATGCAGAACCCACCCTTTGAGCCAACTAGTGTGGA-3'
Protein context (NP_006006.3, residues 2199-2219): LEDSLAATQF[Gln2209Leu]QSQASLLHMQ

ClinVar aggregate classification (germline): Uncertain significance (1 of 4 stars; one submission).

Submission:

Labcorp Genetics (formerly Invitae), Labcorp
Classification: Uncertain significance. Last evaluated: 2025-01-05. Review status: criteria provided, single submitter. Criteria: Invitae Variant Classification Sherloc (09022015). Collection method: clinical testing. Allele origin: germline.
Comment: This sequence change replaces glutamine, which is neutral and polar, with leucine, which is neutral and non-polar, at codon 2209 of the ARID1A protein (p.Gln2209Leu). This variant is not present in population databases (gnomAD no frequency). This variant has not been reported in the literature in individuals affected with ARID1A-related conditions. Invitae Evidence Modeling of protein sequence and biophysical properties (such as structural, functional, and spatial information, amino acid conservation, physicochemical variation, residue mobility, and thermodynamic stability) indicates that this missense variant is expected to disrupt ARID1A protein function with a positive predictive value of 80%. In summary, the available evidence is currently insufficient to determine the role of this variant in disease. Therefore, it has been classified as a Variant of Uncertain Significance.